The following is an entry in ClinVar:

NM_000264.5(PTCH1):c.698A>C (p.Asp233Ala)

Gene: PTCH1 (patched 1; minus strand). Cytogenetic location: 9q22.32.
Variant type: single nucleotide variant.
Coding change: c.698A>C on transcript NM_000264.5 (MANE Select); coding-DNA position 698, A replaced by C.
Protein change: p.Asp233Ala; replaces aspartic acid 233 with alanine.
Molecular consequence: missense variant. On other transcripts: non-coding transcript variant (1).
Genome position (GRCh38, 1-based): chr9:95,481,997, T>G on the plus strand (A>C on the coding strand, the complement: PTCH1 is on the minus strand). VCF-style: chr9-95481997-T-G. GRCh37 (hg19) VCF-style: chr9-98244279-T-G.
Other names: c.500A>C, p.Asp167Ala (NM_001083602.3, NM_001354919.2); c.695A>C, p.Asp232Ala (NM_001083603.3); c.245A>C, p.Asp82Ala (NM_001083604.3, NM_001083605.3, NM_001083606.3 and 1 more transcripts); c.698A>C, p.Asp233Ala (NM_001354918.2); short protein forms D167A, D232A, D233A, D82A.
Identifiers: ClinVar variation 3311129 (VCV003311129.1).

ClinVar aggregate classification (germline): Uncertain significance (1 of 4 stars; one submission).

Conditions:
Hereditary cancer-predisposing syndrome. Also called: Neoplastic Syndromes, Hereditary; Tumor predisposition; Hereditary neoplastic syndrome; Hereditary Cancer Syndrome. Identifiers: Orphanet 140162, MedGen C0027672, MeSH D009386, MONDO:0015356.

Submission:

Ambry Genetics
Classification: Uncertain significance for Hereditary cancer-predisposing syndrome. Last evaluated: 2024-03-26. Review status: criteria provided, single submitter. Criteria: Ambry Variant Classification Scheme 2023. Collection method: clinical testing. Allele origin: germline.
Comment: The p.D233A variant (also known as c.698A>C), located in coding exon 5 of the PTCH1 gene, results from an A to C substitution at nucleotide position 698. The aspartic acid at codon 233 is replaced by alanine, an amino acid with dissimilar properties. This amino acid position is highly conserved in available vertebrate species. In addition, this alteration is predicted to be deleterious by in silico analysis. Based on the available evidence, the clinical significance of this alteration remains unclear.